The following is an entry in ClinVar:

ClinVar aggregate classification (germline): Uncertain significance. Review status: criteria provided, multiple submitters, no conflicts (2 of 4 stars). 2 submissions from 2 submitters: Uncertain significance (2). Last evaluated 2023-12-21.

Allele frequency attached by ClinVar (database versions not stated): gnomAD exomes 0.00002; ExAC 0.00005; gnomAD 0.00007; ESP Exome Variant Server 0.00008; TOPMed 0.00008; 1000 Genomes Project 30x 0.00016; 1000 Genomes Project 0.00020.
gnomAD v4.1: 34 of 1,613,980 alleles (0.0021%); highest among the groups gnomAD compares: African/African-American, 0.027%; no homozygotes.

Submissions (2):

Ambry Genetics
Classification: Uncertain significance. Last evaluated: 2023-12-21. Review status: criteria provided, single submitter. Criteria: Ambry Variant Classification Scheme 2023. Collection method: clinical testing. Allele origin: germline.

Labcorp Genetics (formerly Invitae), Labcorp
Classification: Uncertain significance. Last evaluated: 2023-09-27. Review status: criteria provided, single submitter. Criteria: Invitae Variant Classification Sherloc (09022015). Collection method: clinical testing. Allele origin: germline.
Comment: This variant has not been reported in the literature in individuals affected with ZNF687-related conditions. An algorithm developed to predict the effect of missense changes on protein structure and function (PolyPhen-2) suggests that this variant is likely to be disruptive. In summary, the available evidence is currently insufficient to determine the role of this variant in disease. Therefore, it has been classified as a Variant of Uncertain Significance. This sequence change replaces arginine, which is basic and polar, with glutamine, which is neutral and polar, at codon 1048 of the ZNF687 protein (p.Arg1048Gln). This variant is present in population databases (rs201052012, gnomAD 0.02%).

NM_020832.3(ZNF687):c.3143G>A (p.Arg1048Gln)

Gene: ZNF687 (zinc finger protein 687; plus strand). Cytogenetic location: 1q21.3.
Variant type: single nucleotide variant.
Coding change: c.3143G>A on transcript NM_020832.3 (MANE Select); coding-DNA position 3143, G replaced by A.
Protein change: p.Arg1048Gln; replaces arginine 1048 with glutamine.
Molecular consequence: missense variant.
Genome position (GRCh38, 1-based): chr1:151,290,497, G>A. VCF-style: chr1-151290497-G-A. GRCh37 (hg19) VCF-style: chr1-151262973-G-A.
Other names: c.3143G>A (NM_020832.1); c.3143G>A, p.Arg1048Gln (NM_001304763.2, NM_001304764.2); short protein forms R1048Q.
Identifiers: ClinVar variation 2882249 (VCV002882249.4), dbSNP rs201052012, ClinGen allele CA1088781.
Genomic context (GRCh38, chr1:151,290,497, plus strand): 5'-GCACAGAGGGAAAACGCACCTTCAGCAGCCGCCTGATCCTAGAGAAACATGTCCAGGTCC[G>A]GCACGGCTTGCAGCTTGGGGCCCAGTCCCCTGGCCGGGGGACCACCTTGGCTCGGGGTTC-3'
Protein context (NP_065883.1, residues 1038-1058): RLILEKHVQV[Arg1048Gln]HGLQLGAQSP